The following is an entry in ClinVar:

ClinVar aggregate classification (germline): Uncertain significance (1 of 4 stars; one submission).

Conditions:
MYH3-related disorder. Also called: MYH3-Related Disorders; MYH3-related condition. Identifiers: MedGen CN239329.

Submission:

PreventionGenetics, part of Exact Sciences
Classification: Uncertain significance for MYH3-related condition. Last evaluated: 2025-01-13. Review status: criteria provided, single submitter. Criteria: ACMG Guidelines, 2015. Collection method: clinical testing. Allele origin: germline.
Comment: The MYH3 c.806T>A variant is predicted to result in the amino acid substitution p.Leu269Gln. To our knowledge, this variant has not been reported in the literature or in a large population database (gnomAD), indicating this variant is rare. At this time, the clinical significance of this variant is uncertain due to the absence of conclusive functional and genetic evidence.

NM_002470.4(MYH3):c.806T>A (p.Leu269Gln)

Gene: MYH3 (myosin heavy chain 3; minus strand). Cytogenetic location: 17p13.1.
Variant type: single nucleotide variant.
Coding change: c.806T>A on transcript NM_002470.4 (MANE Select); coding-DNA position 806, T replaced by A.
Protein change: p.Leu269Gln; replaces leucine 269 with glutamine.
Molecular consequence: missense variant.
Genome position (GRCh38, 1-based): chr17:10,647,274, A>T on the plus strand (T>A on the coding strand, the complement: MYH3 is on the minus strand). VCF-style: chr17-10647274-A-T. GRCh37 (hg19) VCF-style: chr17-10550591-A-T.
Other names: short protein forms L269Q.
Identifiers: ClinVar variation 4997572 (VCV004997572.1).